The following is an entry in ClinVar:

ClinVar aggregate classification (germline): Uncertain significance (1 of 4 stars; one submission).

Submission:

GeneDx
Classification: Uncertain significance. Last evaluated: 2024-11-05. Review status: criteria provided, single submitter. Criteria: GeneDx Variant Classification Process June 2021. Collection method: clinical testing. Allele origin: germline. Affected: yes.
Comment: Not observed at significant frequency in large population cohorts (gnomAD); In silico analysis supports that this missense variant has a deleterious effect on protein structure/function; Has not been previously published as pathogenic or benign to our knowledge

NM_004700.4(KCNQ4):c.746T>A (p.Leu249His)

Gene: KCNQ4 (potassium voltage-gated channel subfamily Q member 4; plus strand). Cytogenetic location: 1p34.2.
Variant type: single nucleotide variant.
Coding change: c.746T>A on transcript NM_004700.4 (MANE Select); coding-DNA position 746, T replaced by A.
Protein change: p.Leu249His; replaces leucine 249 with histidine.
Molecular consequence: missense variant.
Genome position (GRCh38, 1-based): chr1:40,819,384, T>A. VCF-style: chr1-40819384-T-A. GRCh37 (hg19) VCF-style: chr1-41285056-T-A.
Other names: c.746T>A, p.Leu249His (NM_172163.3); short protein forms L249H.
Identifiers: ClinVar variation 3897346 (VCV003897346.1).